The following is an entry in ClinVar:

NM_000548.5(TSC2):c.2263G>C (p.Glu755Gln)

Gene: TSC2 (TSC complex subunit 2; plus strand). Cytogenetic location: 16p13.3.
Variant type: single nucleotide variant.
Coding change: c.2263G>C on transcript NM_000548.5 (MANE Select); coding-DNA position 2263, G replaced by C.
Protein change: p.Glu755Gln; replaces glutamic acid 755 with glutamine.
Molecular consequence: missense variant.
Genome position (GRCh38, 1-based): chr16:2,072,891, G>C. VCF-style: chr16-2072891-G-C. GRCh37 (hg19) VCF-style: chr16-2122892-G-C.
Other names: c.2263G>C, p.Glu755Gln (NM_001363528.2, NM_001370404.1, NM_001370405.1 and 3 more transcripts); c.2152G>C, p.Glu718Gln (NM_001318827.2); c.2116G>C, p.Glu706Gln (NM_001318829.2); c.1663G>C, p.Glu555Gln (NM_001318831.2); c.2296G>C, p.Glu766Gln (NM_001318832.2); c.2263G>C (NM_000548.3); short protein forms E555Q, E706Q, E718Q, E755Q, E766Q.
Identifiers: ClinVar variation 1008986 (VCV001008986.9), dbSNP rs2088691487, ClinGen allele CA394276419.

ClinVar aggregate classification (germline): Uncertain significance. Review status: criteria provided, multiple submitters, no conflicts (2 of 4 stars). 2 submissions from 2 submitters: Uncertain significance (2). Last evaluated 2024-04-22.

Conditions:
Hereditary cancer-predisposing syndrome. Also called: Hereditary neoplastic syndrome; Neoplastic Syndromes, Hereditary; Tumor predisposition; Hereditary Cancer Syndrome. Identifiers: Orphanet 140162, MedGen C0027672, MeSH D009386, MONDO:0015356.
Tuberous sclerosis 2 (TSC2). Identifiers: Orphanet 805, MedGen C1860707, MONDO:0013199, OMIM 613254.

Submissions (2):

Labcorp Genetics (formerly Invitae), Labcorp
Classification: Uncertain significance for Tuberous sclerosis 2. Last evaluated: 2024-04-22. Review status: criteria provided, single submitter. Criteria: Invitae Variant Classification Sherloc (09022015). Collection method: clinical testing. Allele origin: germline.
Comment: This sequence change replaces glutamic acid, which is acidic and polar, with glutamine, which is neutral and polar, at codon 755 of the TSC2 protein (p.Glu755Gln). This variant is not present in population databases (gnomAD no frequency). This variant has not been reported in the literature in individuals affected with TSC2-related conditions. ClinVar contains an entry for this variant (Variation ID: 1008986). Advanced modeling of protein sequence and biophysical properties (such as structural, functional, and spatial information, amino acid conservation, physicochemical variation, residue mobility, and thermodynamic stability) performed at Invitae indicates that this missense variant is not expected to disrupt TSC2 protein function with a negative predictive value of 95%. In summary, the available evidence is currently insufficient to determine the role of this variant in disease. Therefore, it has been classified as a Variant of Uncertain Significance.

Ambry Genetics
Classification: Uncertain significance for Hereditary cancer-predisposing syndrome. Last evaluated: 2023-09-29. Review status: criteria provided, single submitter. Criteria: Ambry Variant Classification Scheme 2023. Collection method: clinical testing. Allele origin: germline.
Comment: The p.E755Q variant (also known as c.2263G>C), located in coding exon 20 of the TSC2 gene, results from a G to C substitution at nucleotide position 2263. The glutamic acid at codon 755 is replaced by glutamine, an amino acid with highly similar properties. This amino acid position is conserved. In addition, the in silico prediction for this alteration is inconclusive. Since supporting evidence is limited at this time, the clinical significance of this alteration remains unclear.